The following is an entry in ClinVar:

NM_000334.4(SCN4A):c.2567_2568delinsCT (p.Leu856Pro)

Genes: GH-LCR (growth hormone locus control region; plus strand), SCN4A (sodium voltage-gated channel alpha subunit 4; minus strand). Cytogenetic location: 17q23.3.
Variant type: Indel.
Coding change: c.2567_2568delinsCT on transcript NM_000334.4 (MANE Select); coding-DNA positions 2567 to 2568, TC replaced by CT.
Protein change: p.Leu856Pro; replaces leucine 856 with proline.
Molecular consequence: missense variant.
Genome position (GRCh38, 1-based): chr17:63,951,709-63,951,710, GA replaced by AG on the plus strand (TC replaced by CT on the coding strand, the reverse complement: SCN4A is on the minus strand). VCF-style: chr17-63951709-GA-AG. GRCh37 (hg19) VCF-style: chr17-62029069-GA-AG.
Other names: short protein forms L856P.
Identifiers: ClinVar variation 2919531 (VCV002919531.3), dbSNP rs2509300325, ClinGen allele CA2739268311.

ClinVar aggregate classification (germline): Uncertain significance (1 of 4 stars; one submission).

Conditions:
Hyperkalemic periodic paralysis. Also called: Familial hyperkalemic periodic paralysis; Gamstorp disease. Identifiers: Orphanet 682, MedGen C0238357, MONDO:0008224, OMIM 170500, HP:0007215.

Submission:

Labcorp Genetics (formerly Invitae), Labcorp
Classification: Uncertain significance for Hyperkalemic periodic paralysis. Last evaluated: 2023-01-31. Review status: criteria provided, single submitter. Criteria: Invitae Variant Classification Sherloc (09022015). Collection method: clinical testing. Allele origin: germline.
Comment: This variant is present in population databases (no rsID available, gnomAD 0.05%). This sequence change replaces leucine, which is neutral and non-polar, with proline, which is neutral and non-polar, at codon 856 of the SCN4A protein (p.Leu856Pro). This variant has not been reported in the literature in individuals affected with SCN4A-related conditions. In summary, the available evidence is currently insufficient to determine the role of this variant in disease. Therefore, it has been classified as a Variant of Uncertain Significance. An algorithm developed to predict the effect of missense changes on protein structure and function (PolyPhen-2) suggests that this variant is likely to be disruptive.